The following is an entry in ClinVar:

NM_000496.3(CRYBB2):c.553C>T (p.Gln185Ter)

Gene: CRYBB2 (crystallin beta B2; plus strand). Cytogenetic location: 22q11.23.
Variant type: single nucleotide variant.
Coding change: c.553C>T on transcript NM_000496.3 (MANE Select); coding-DNA position 553, C replaced by T.
Protein change: p.Gln185Ter; replaces glutamine 185 with a stop codon.
Molecular consequence: nonsense.
Genome position (GRCh38, 1-based): chr22:25,231,707, C>T. VCF-style: chr22-25231707-C-T. GRCh37 (hg19) VCF-style: chr22-25627674-C-T.
Other names: short protein forms Q185*.
Identifiers: ClinVar variation 3053425 (VCV003053425.2), dbSNP rs2517858617, ClinGen allele CA410988357.
Genomic context (GRCh38, chr22:25,231,707, plus strand): 5'-CTGCTGGAGAAGGGAGACTACAAGGACAGCAGCGACTTTGGGGCCCCTCACCCCCAGGTG[C>T]AGTCCGTGCGCCGTATCCGCGACATGCAGTGGCACCAACGTGGTGCCTTCCACCCCTCCA-3'

ClinVar aggregate classification (germline): Uncertain significance (0 of 4 stars; one submission).

Conditions:
CRYBB2-related disorder. Also called: CRYBB2-related condition.

Submission:

PreventionGenetics, part of Exact Sciences
Classification: Uncertain significance for CRYBB2-related condition. Last evaluated: 2023-10-30. Review status: no assertion criteria provided. Collection method: clinical testing. Allele origin: germline.
Comment: The CRYBB2 c.553C>T variant is predicted to result in premature protein termination (p.Gln185*). This variant is found within the terminal exon of CRYBB2 and truncates the coding sequence by 20 amino acids. To our knowledge, this variant has not been reported in the literature or in a large population database, indicating this variant is rare. Other nonsense variants in CRYBB2 have been reported upstream of amino acid 185 in patients with cataracts (Human Gene Mutation Database). Although we suspect that this variant may be pathogenic, at this time, the clinical significance of this variant is uncertain due to the absence of conclusive functional and genetic evidence.